The following is an entry in ClinVar:

NM_000304.4(PMP22):c.52_56delinsGCGATCGTG (p.Leu18fs)

Gene: PMP22 (peripheral myelin protein 22; minus strand). Cytogenetic location: 17p12.
Variant type: Indel.
Coding change: c.52_56delinsGCGATCGTG on transcript NM_000304.4 (MANE Select); coding-DNA positions 52 to 56, CTGCT replaced by GCGATCGTG.
Protein change: p.Leu18fs; shifts the reading frame from leucine 18.
Molecular consequence: frameshift variant.
Genome position (GRCh38, 1-based): chr17:15,260,672-15,260,676, AGCAG replaced by CACGATCGC on the plus strand (CTGCT replaced by GCGATCGTG on the coding strand, the reverse complement: PMP22 is on the minus strand). VCF-style: chr17-15260672-AGCAG-CACGATCGC. GRCh37 (hg19) VCF-style: chr17-15163989-AGCAG-CACGATCGC.
Other names: c.52_56delinsGCGATCGTG, p.Leu18fs (NM_001281455.2, NM_001281456.2, NM_001330143.2 and 2 more transcripts); short protein forms L18fs.
Identifiers: ClinVar variation 969243 (VCV000969243.6), dbSNP rs1909244614, ClinGen allele CA1139665234.

ClinVar aggregate classification (germline): Pathogenic (1 of 4 stars; one submission).

Conditions:
Charcot-Marie-Tooth disease, type I (CMT1). Also called: Charcot-Marie-Tooth disease type 1; Charcot-Marie-Tooth, Type 1. Identifiers: Orphanet 65753, MedGen C0751036, MONDO:0019011.

Submission:

Labcorp Genetics (formerly Invitae), Labcorp
Classification: Pathogenic for Charcot-Marie-Tooth disease, type I. Last evaluated: 2019-12-04. Review status: criteria provided, single submitter. Criteria: Invitae Variant Classification Sherloc (09022015). Collection method: clinical testing. Allele origin: germline.
Comment: This variant has not been reported in the literature in individuals with PMP22-related conditions. For these reasons, this variant has been classified as Pathogenic. Loss-of-function variants in PMP22 are known to be pathogenic (PMID: 23224996). Algorithms developed to predict the effect of sequence changes on RNA splicing suggest that this variant may create or strengthen a splice site, but this prediction has not been confirmed by published transcriptional studies. This variant is not present in population databases (ExAC no frequency). This sequence change creates a premature translational stop signal (p.Phe20Valfs*19) in the PMP22 gene. It is expected to result in an absent or disrupted protein product.

Literature cited by the submitters: PubMed 23224996.